The following is an entry in ClinVar:

ClinVar aggregate classification (germline): Uncertain significance (1 of 4 stars; one submission).

Submission:

Ambry Genetics
Classification: Uncertain significance. Last evaluated: 2025-03-17. Review status: criteria provided, single submitter. Criteria: Ambry Variant Classification Scheme 2023. Collection method: clinical testing. Allele origin: germline.
Comment: The p.H484Q variant (also known as c.1452C>A), located in coding exon 8 of the ATRIP gene, results from a C to A substitution at nucleotide position 1452. The histidine at codon 484 is replaced by glutamine, an amino acid with highly similar properties. This amino acid position is conserved. In addition, the in silico prediction for this alteration is inconclusive. Based on the available evidence, the clinical significance of this variant remains unclear.

NM_130384.3(ATRIP):c.1452C>A (p.His484Gln)

Genes: ATRIP (ATR interacting protein; plus strand), ATRIP-TREX1 (ATRIP-TREX1 readthrough; plus strand). Cytogenetic location: 3p21.31.
Variant type: single nucleotide variant.
Coding change: c.1452C>A on transcript NM_130384.3 (MANE Select); coding-DNA position 1452, C replaced by A.
Protein change: p.His484Gln; replaces histidine 484 with glutamine.
Molecular consequence: missense variant. On other transcripts: non-coding transcript variant (1).
Genome position (GRCh38, 1-based): chr3:48,460,506, C>A. VCF-style: chr3-48460506-C-A. GRCh37 (hg19) VCF-style: chr3-48501905-C-A.
Other names: c.1071C>A, p.His357Gln (NM_001271022.2); c.1173C>A, p.His391Gln (NM_001271023.2); c.1452C>A, p.His484Gln (NM_032166.4); short protein forms H357Q, H391Q, H484Q.
Identifiers: ClinVar variation 3975572 (VCV003975572.1).